The following is an entry in ClinVar:

ClinVar aggregate classification (germline): Uncertain significance (1 of 4 stars; one submission).

gnomAD v4.1: 9 of 1,613,582 alleles (0.00056%); highest among the groups gnomAD compares: Non-Finnish European, 0.00076%; no homozygotes.

Submission:

Ambry Genetics
Classification: Uncertain significance. Last evaluated: 2025-08-22. Review status: criteria provided, single submitter. Criteria: Ambry Variant Classification Scheme 2023. Collection method: clinical testing. Allele origin: germline.
Comment: The p.A623D variant (also known as c.1868C>A), located in coding exon 8 of the RNF43 gene, results from a C to A substitution at nucleotide position 1868. The alanine at codon 623 is replaced by aspartic acid, an amino acid with dissimilar properties. This amino acid position is conserved. In addition, this alteration is predicted to be tolerated by in silico analysis. Based on the available evidence, the clinical significance of this variant remains unclear.

NM_017763.6(RNF43):c.1868C>A (p.Ala623Asp)

Gene: RNF43 (ring finger protein 43; minus strand). Cytogenetic location: 17q22.
Variant type: single nucleotide variant.
Coding change: c.1868C>A on transcript NM_017763.6 (MANE Select); coding-DNA position 1868, C replaced by A.
Protein change: p.Ala623Asp; replaces alanine 623 with aspartic acid.
Molecular consequence: missense variant.
Genome position (GRCh38, 1-based): chr17:58,357,908, G>T on the plus strand (C>A on the coding strand, the complement: RNF43 is on the minus strand). VCF-style: chr17-58357908-G-T. GRCh37 (hg19) VCF-style: chr17-56435269-G-T.
Other names: c.1868C>A, p.Ala623Asp (NM_001305544.3, NM_001438820.1, NM_001438821.1 and 1 more transcripts); c.1487C>A, p.Ala496Asp (NM_001305545.2, NM_001437987.1); short protein forms A496D, A623D.
Identifiers: ClinVar variation 4155789 (VCV004155789.1).